The following is an entry in ClinVar:

ClinVar aggregate classification (germline): Likely benign. Review status: criteria provided, multiple submitters, no conflicts (2 of 4 stars). 2 submissions from 2 submitters: Likely benign (2). Last evaluated 2026-07-01.

Allele frequency attached by ClinVar (database versions not stated): ExAC 0.00038; gnomAD exomes 0.00041 and 0.00068; gnomAD 0.00052 and 0.00060; TOPMed 0.00057; ESP Exome Variant Server 0.00069.

Submissions (2):

CeGaT Center for Human Genetics Tuebingen
Classification: Likely benign. Last evaluated: 2026-07-01. Review status: criteria provided, single submitter. Criteria: CeGaT Center For Human Genetics Tuebingen Variant Classification Criteria Version 2. Collection method: clinical testing. Allele origin: germline. Affected: yes. Observed: 5 variant alleles.
Comment: KCNK9: BP4, BP7

Labcorp Genetics (formerly Invitae), Labcorp
Classification: Likely benign. Last evaluated: 2019-12-31. Review status: criteria provided, single submitter. Criteria: Invitae Variant Classification Sherloc (09022015). Collection method: clinical testing. Allele origin: germline.

NM_001282534.2(KCNK9):c.162C>T (p.Ile54=)

Gene: KCNK9 (potassium two pore domain channel subfamily K member 9; minus strand). Cytogenetic location: 8q24.3.
Variant type: single nucleotide variant.
Coding change: c.162C>T on transcript NM_001282534.2 (MANE Select); coding-DNA position 162, C replaced by T.
Protein change: p.Ile54=; no amino-acid change (isoleucine 54 retained).
Molecular consequence: synonymous variant. On other transcripts: non-coding transcript variant (1).
Genome position (GRCh38, 1-based): chr8:139,702,831, G>A on the plus strand (C>T on the coding strand, the complement: KCNK9 is on the minus strand). VCF-style: chr8-139702831-G-A. GRCh37 (hg19) VCF-style: chr8-140715074-G-A.
Identifiers: ClinVar variation 736183 (VCV000736183.22), dbSNP rs147516731, ClinGen allele CA4892661.